The following is an entry in ClinVar:

ClinVar aggregate classification (germline): Uncertain significance (1 of 4 stars; one submission).

Conditions:
Fanconi anemia (FA). Also called: Fanconi's anemia. Identifiers: Orphanet 84, MedGen C0015625, MeSH D005199, MONDO:0019391.

Submission:

Labcorp Genetics (formerly Invitae), Labcorp
Classification: Uncertain significance for Fanconi anemia. Last evaluated: 2022-01-27. Review status: criteria provided, single submitter. Criteria: Invitae Variant Classification Sherloc (09022015). Collection method: clinical testing. Allele origin: germline.
Comment: In summary, the available evidence is currently insufficient to determine the role of this variant in disease. Therefore, it has been classified as a Variant of Uncertain Significance. Advanced modeling of protein sequence and biophysical properties (such as structural, functional, and spatial information, amino acid conservation, physicochemical variation, residue mobility, and thermodynamic stability) performed at Invitae indicates that this missense variant is not expected to disrupt FANCA protein function. ClinVar contains an entry for this variant (Variation ID: 526369). This variant has not been reported in the literature in individuals affected with FANCA-related conditions. This variant is not present in population databases (gnomAD no frequency). This sequence change replaces proline, which is neutral and non-polar, with serine, which is neutral and polar, at codon 1218 of the FANCA protein (p.Pro1218Ser).

NM_000135.4(FANCA):c.3652C>T (p.Pro1218Ser)

Gene: FANCA (FA complementation group A; minus strand). Cytogenetic location: 16q24.3.
Variant type: single nucleotide variant.
Coding change: c.3652C>T on transcript NM_000135.4 (MANE Select); coding-DNA position 3652, C replaced by T.
Protein change: p.Pro1218Ser; replaces proline 1218 with serine.
Molecular consequence: missense variant.
Genome position (GRCh38, 1-based): chr16:89,742,913, G>A on the plus strand (C>T on the coding strand, the complement: FANCA is on the minus strand). VCF-style: chr16-89742913-G-A. GRCh37 (hg19) VCF-style: chr16-89809321-G-A.
Other names: c.3652C>T, p.Pro1218Ser (NM_001286167.3); c.3652C>T (LRG_495t1); short protein forms P1218S.
Identifiers: ClinVar variation 526369 (VCV000526369.8), dbSNP rs1555535564, ClinGen allele CA397485504.